The following is an entry in ClinVar:

ClinVar aggregate classification (germline): Uncertain significance (1 of 4 stars; one submission).

Conditions:
Long QT syndrome (LQTS). Identifiers: MedGen C0023976, MeSH D008133, MONDO:0002442. Disease mechanism: loss of function. Inheritance: Various modes of inheritance.

Submission:

Labcorp Genetics (formerly Invitae), Labcorp
Classification: Uncertain significance for Long QT syndrome. Last evaluated: 2024-07-08. Review status: criteria provided, single submitter. Criteria: Invitae Variant Classification Sherloc (09022015). Collection method: clinical testing. Allele origin: germline.
Comment: This sequence change creates a premature translational stop signal (p.Arg3476*) in the AKAP9 gene. It is expected to result in an absent or disrupted protein product. However, the current clinical and genetic evidence is not sufficient to establish whether loss-of-function variants in AKAP9 cause disease. This variant is not present in population databases (gnomAD no frequency). This variant has not been reported in the literature in individuals affected with AKAP9-related conditions. ClinVar contains an entry for this variant (Variation ID: 1007800). In summary, the available evidence is currently insufficient to determine the role of this variant in disease. Therefore, it has been classified as a Variant of Uncertain Significance.

NM_005751.5(AKAP9):c.10426A>T (p.Arg3476Ter)

Gene: AKAP9 (A-kinase anchoring protein 9; plus strand). Cytogenetic location: 7q21.2.
Variant type: single nucleotide variant.
Coding change: c.10426A>T on transcript NM_005751.5 (MANE Select); coding-DNA position 10426, A replaced by T.
Protein change: p.Arg3476Ter; replaces arginine 3476 with a stop codon.
Molecular consequence: nonsense.
Genome position (GRCh38, 1-based): chr7:92,097,613, A>T. VCF-style: chr7-92097613-A-T. GRCh37 (hg19) VCF-style: chr7-91726927-A-T.
Other names: c.5071A>T, p.Arg1691Ter (NM_001379277.1); c.10402A>T, p.Arg3468Ter (NM_147185.3); short protein forms R1691*, R3468*, R3476*.
Identifiers: ClinVar variation 1007800 (VCV001007800.6), dbSNP rs1063243, ClinGen allele CA368156197.
Genomic context (GRCh38, chr7:92,097,613, plus strand): 5'-TTATTGTTTTCTTATTCTGTCCAAAATTGCCAGCCAACCACGTGGAGCTTAACCAGTGAT[A>T]GAACTAGAAATTGGGTTCTTCAACAGAAAATAGAAGGAGAAACAAAAGAATCAAACTACG-3'